The following is an entry in ClinVar:

NM_001130438.3(SPTAN1):c.5388C>G (p.Asp1796Glu)

Gene: SPTAN1 (spectrin alpha, non-erythrocytic 1; plus strand). Cytogenetic location: 9q34.11.
Variant type: single nucleotide variant.
Coding change: c.5388C>G on transcript NM_001130438.3 (MANE Select); coding-DNA position 5388, C replaced by G.
Protein change: p.Asp1796Glu; replaces aspartic acid 1796 with glutamic acid.
Molecular consequence: missense variant.
Genome position (GRCh38, 1-based): chr9:128,617,670, C>G. VCF-style: chr9-128617670-C-G. GRCh37 (hg19) VCF-style: chr9-131379949-C-G.
Other names: c.5313C>G, p.Asp1771Glu (NM_001195532.2); c.5388C>G, p.Asp1796Glu (NM_001363759.2, NM_001375310.1, NM_001375311.2 and 1 more transcripts); c.5328C>G, p.Asp1776Glu (NM_001363765.2, NM_001375314.2); c.5424C>G, p.Asp1808Glu (NM_001375312.2, NM_001375318.1); c.5373C>G, p.Asp1791Glu (NM_003127.4); short protein forms D1771E, D1776E, D1791E, D1796E, D1808E.
Identifiers: ClinVar variation 2505735 (VCV002505735.1), dbSNP rs2541939327, ClinGen allele CA375075886.

ClinVar aggregate classification (germline): Uncertain significance (1 of 4 stars; one submission).

Allele frequency attached by ClinVar (database versions not stated): gnomAD exomes below 0.00001.
gnomAD v4.1: 1 of 1,614,152 alleles (0.000062%); highest among the groups gnomAD compares: South Asian, 0.0011%; no homozygotes.

Submission:

GeneDx
Classification: Uncertain significance. Last evaluated: 2022-12-16. Review status: criteria provided, single submitter. Criteria: GeneDx Variant Classification Process June 2021. Collection method: clinical testing. Allele origin: germline. Affected: yes.
Comment: Not observed at significant frequency in large population cohorts (gnomAD); In silico analysis supports that this missense variant has a deleterious effect on protein structure/function; Has not been previously published as pathogenic or benign to our knowledge